The following is an entry in ClinVar:

ClinVar aggregate classification (germline): Uncertain significance. Review status: criteria provided, multiple submitters, no conflicts (2 of 4 stars). 2 submissions from 2 submitters: Uncertain significance (2). Last evaluated 2025-02-18.

Conditions:
Inborn genetic diseases. Identifiers: MedGen C0950123, MeSH D030342.

Allele frequency attached by ClinVar (database versions not stated): TOPMed below 0.00001; gnomAD 0.00002; gnomAD exomes 0.00005; ExAC 0.00009.
gnomAD v4.1: 68 of 1,591,156 alleles (0.0043%); highest among the groups gnomAD compares: South Asian, 0.074%; no homozygotes.

Submissions (2):

Ambry Genetics
Classification: Uncertain significance for Inborn genetic diseases. Last evaluated: 2025-02-18. Review status: criteria provided, single submitter. Criteria: Ambry Variant Classification Scheme 2023. Collection method: clinical testing. Allele origin: germline.

Labcorp Genetics (formerly Invitae), Labcorp
Classification: Uncertain significance. Last evaluated: 2023-12-07. Review status: criteria provided, single submitter. Criteria: Invitae Variant Classification Sherloc (09022015). Collection method: clinical testing. Allele origin: germline.
Comment: This sequence change replaces leucine, which is neutral and non-polar, with phenylalanine, which is neutral and non-polar, at codon 340 of the TRAIP protein (p.Leu340Phe). This variant is present in population databases (rs763295325, gnomAD 0.09%). This variant has not been reported in the literature in individuals affected with TRAIP-related conditions. ClinVar contains an entry for this variant (Variation ID: 1953267). Algorithms developed to predict the effect of missense changes on protein structure and function output the following: SIFT: "Not Available"; PolyPhen-2: "Benign"; Align-GVGD: "Not Available". The phenylalanine amino acid residue is found in multiple mammalian species, which suggests that this missense change does not adversely affect protein function. In summary, the available evidence is currently insufficient to determine the role of this variant in disease. Therefore, it has been classified as a Variant of Uncertain Significance.

NM_005879.3(TRAIP):c.1018C>T (p.Leu340Phe)

Gene: TRAIP (TRAF interacting protein; minus strand). Cytogenetic location: 3p21.31.
Variant type: single nucleotide variant.
Coding change: c.1018C>T on transcript NM_005879.3 (MANE Select); coding-DNA position 1018, C replaced by T.
Protein change: p.Leu340Phe; replaces leucine 340 with phenylalanine.
Molecular consequence: missense variant.
Genome position (GRCh38, 1-based): chr3:49,831,935, G>A on the plus strand (C>T on the coding strand, the complement: TRAIP is on the minus strand). VCF-style: chr3-49831935-G-A. GRCh37 (hg19) VCF-style: chr3-49869368-G-A.
Other names: c.1018C>T (NM_005879.2); short protein forms L340F.
Identifiers: ClinVar variation 1953267 (VCV001953267.6), dbSNP rs763295325, ClinGen allele CA2407627.